The following is an entry in ClinVar:

ClinVar aggregate classification (germline): Conflicting classifications of pathogenicity. Review status: criteria provided, conflicting classifications (1 of 4 stars). 2 submissions from 2 submitters: Uncertain significance (1); Benign (1). Last evaluated 2024-08-07.

Conditions:
Heterotopia, periventricular, X-linked dominant (PVNH1). Also called: PERIVENTRICULAR NODULAR HETEROTOPIA 4; HETEROTOPIA, PERIVENTRICULAR, 1; PERIVENTRICULAR NODULAR HETEROTOPIA 1; X-linked periventricular heterotopia. Identifiers: Orphanet 2149, Orphanet 82004, MedGen C1848213, MONDO:0010233, OMIM 300049.
Melnick-Needles syndrome (MNS). Also called: Melnick-Needles Syndrome (FLNA-MNS); MELNICK-NEEDLES OSTEODYSPLASTY; OSTEODYSPLASTY OF MELNICK AND NEEDLES. Identifiers: Orphanet 2484, MedGen C0025237, MONDO:0010650, OMIM 309350.
Frontometaphyseal dysplasia (FMD1). Identifiers: Orphanet 1826, MedGen C0265293, MONDO:0015942.
Oto-palato-digital syndrome, type II (OPD2). Also called: Otopalatodigital Syndrome Type 2 (FLNA-OPD2); Otopalatodigital Syndrome, Type II; FACIOPALATOOSSEOUS SYNDROME; OPD II SYNDROME. Identifiers: Orphanet 669, Orphanet 90652, MedGen C1844696, MONDO:0010571, OMIM 304120.
Familial thoracic aortic aneurysm and aortic dissection (TAAD). Also called: Thoracic aortic aneurysms and dissections. Identifiers: Orphanet 91387, MedGen C4707243, MONDO:0019625.

Allele frequency attached by ClinVar (database versions not stated): gnomAD exomes below 0.00001 and 0.00001; ExAC 0.00001; gnomAD 0.00001; TOPMed 0.00001.
gnomAD v4.1: 3 of 1,196,467 alleles (0.00025%); highest among the groups gnomAD compares: African/African-American, 0.0053%; no homozygotes.

Submissions (2):

Ambry Genetics
Classification: Uncertain significance for Familial thoracic aortic aneurysm and aortic dissection. Last evaluated: 2024-08-07. Review status: criteria provided, single submitter. Criteria: Ambry Variant Classification Scheme 2023. Collection method: clinical testing. Allele origin: germline.
Comment: The p.P944L variant (also known as c.2831C>T), located in coding exon 19 of the FLNA gene, results from a C to T substitution at nucleotide position 2831. The proline at codon 944 is replaced by leucine, an amino acid with similar properties. Based on data from gnomAD, the T allele has an overall frequency of <0.01% (2/181230) total alleles studied, with 0 hemizygote(s) observed. The highest observed frequency was 0.02% (2/12364) of African alleles. This amino acid position is not well conserved in available vertebrate species. In addition, this alteration is predicted to be tolerated by in silico analysis. Since supporting evidence is limited at this time, the clinical significance of this alteration remains unclear.

Labcorp Genetics (formerly Invitae), Labcorp
Classification: Benign for Oto-palato-digital syndrome, type II; Heterotopia, periventricular, X-linked dominant; Frontometaphyseal dysplasia; Melnick-Needles syndrome. Last evaluated: 2023-07-07. Review status: criteria provided, single submitter. Criteria: Invitae Variant Classification Sherloc (09022015). Collection method: clinical testing. Allele origin: germline.

NM_001110556.2(FLNA):c.2831C>T (p.Pro944Leu)

Gene: FLNA (filamin A; minus strand). Cytogenetic location: Xq28.
Variant type: single nucleotide variant.
Coding change: c.2831C>T on transcript NM_001110556.2 (MANE Select); coding-DNA position 2831, C replaced by T.
Protein change: p.Pro944Leu; replaces proline 944 with leucine.
Molecular consequence: missense variant.
Genome position (GRCh38, 1-based): chrX:154,361,783, G>A on the plus strand (C>T on the coding strand, the complement: FLNA is on the minus strand). VCF-style: chrX-154361783-G-A. GRCh37 (hg19) VCF-style: chrX-153590151-G-A.
Other names: c.2831C>T, p.Pro944Leu (NM_001456.4); short protein forms P944L.
Identifiers: ClinVar variation 572007 (VCV000572007.11), dbSNP rs782451202, ClinGen allele CA10560820.
Genomic context (GRCh38, chrX:154,361,783, plus strand): 5'-GCCACTGAGAAAGGGCTCTTAGGGATGGGATCCCCTCCATAAGTGACATTGACGCCTACT[G>A]GACCCTGGGAAGGGTGCAGAAGGGAAGGGGGTATTTAGAGACACCAGAATTGCTCCCCAA-3'
Protein context (NP_001104026.1, residues 934-954): TVKYTPVQQG[Pro944Leu]VGVNVTYGGD